The following is an entry in ClinVar:

ClinVar aggregate classification (germline): Uncertain significance (1 of 4 stars; one submission).

Allele frequency attached by ClinVar (database versions not stated): gnomAD exomes below 0.00001.
gnomAD v4.1: 2 of 1,614,228 alleles (0.00012%); highest among the groups gnomAD compares: Non-Finnish European, 0.00017%; no homozygotes.

Submission:

Labcorp Genetics (formerly Invitae), Labcorp
Classification: Uncertain significance. Last evaluated: 2020-08-25. Review status: criteria provided, single submitter. Criteria: Invitae Variant Classification Sherloc (09022015). Collection method: clinical testing. Allele origin: germline.
Comment: In summary, the available evidence is currently insufficient to determine the role of this variant in disease. Therefore, it has been classified as a Variant of Uncertain Significance. Algorithms developed to predict the effect of missense changes on protein structure and function are either unavailable or do not agree on the potential impact of this missense change (SIFT: "Not Available"; PolyPhen-2: "Probably Damaging"; Align-GVGD: "Not Available"). This variant has not been reported in the literature in individuals with ADAMTS18-related conditions. This variant is not present in population databases (ExAC no frequency). This sequence change replaces glycine with arginine at codon 608 of the ADAMTS18 protein (p.Gly608Arg). The glycine residue is highly conserved and there is a moderate physicochemical difference between glycine and arginine.

NM_199355.4(ADAMTS18):c.1822G>A (p.Gly608Arg)

Gene: ADAMTS18 (ADAM metallopeptidase with thrombospondin type 1 motif 18; minus strand). Cytogenetic location: 16q23.1.
Variant type: single nucleotide variant.
Coding change: c.1822G>A on transcript NM_199355.4 (MANE Select); coding-DNA position 1822, G replaced by A.
Protein change: p.Gly608Arg; replaces glycine 608 with arginine.
Molecular consequence: missense variant.
Genome position (GRCh38, 1-based): chr16:77,335,793, C>T on the plus strand (G>A on the coding strand, the complement: ADAMTS18 is on the minus strand). VCF-style: chr16-77335793-C-T. GRCh37 (hg19) VCF-style: chr16-77369690-C-T.
Other names: c.1306G>A, p.Gly436Arg (NM_001326358.2); short protein forms G436R, G608R.
Identifiers: ClinVar variation 1015381 (VCV001015381.7), dbSNP rs2056299973, ClinGen allele CA396831905.
Genomic context (GRCh38, chr16:77,335,793, plus strand): 5'-CTAACTTTCTGCTGGAGGCTTACTTGGGGTTATTGCAGTGTCTCTCCTGGAACTTGACTC[C>T]TCCACCACATGTCCGGGAACATTCTGACCACTTCGACCAGGCGGACCACTGGCCGTGGAT-3'
Protein context (NP_955387.1, residues 598-618): WSECSRTCGG[Gly608Arg]VKFQERHCNN